The following is an entry in ClinVar:

ClinVar aggregate classification (germline): Uncertain significance. Review status: criteria provided, multiple submitters, no conflicts (2 of 4 stars). 3 submissions from 3 submitters: Uncertain significance (3). Last evaluated 2025-11-08.

Conditions:
Hereditary cancer-predisposing syndrome. Also called: Hereditary neoplastic syndrome; Neoplastic Syndromes, Hereditary; Hereditary Cancer Syndrome; Tumor predisposition. Identifiers: Orphanet 140162, MedGen C0027672, MeSH D009386, MONDO:0015356.
Fanconi anemia complementation group J. Also called: BRIP1-Related Fanconi Anemia. Identifiers: Orphanet 84, MedGen C1836860, MONDO:0012187, OMIM 609054.
Familial cancer of breast. Also called: Hereditary breast cancer; BREAST CANCER, FAMILIAL; hereditary breast carcinoma. Identifiers: Orphanet 227535, MedGen C0346153, MONDO:0016419, OMIM 114480. Disease mechanism: loss of function.

Submissions (3):

Ambry Genetics
Classification: Uncertain significance for Hereditary cancer-predisposing syndrome. Last evaluated: 2025-11-08. Review status: criteria provided, single submitter. Criteria: Ambry Variant Classification Scheme 2023. Collection method: clinical testing. Allele origin: germline.
Comment: The p.V911G variant (also known as c.2732T>G), located in coding exon 18 of the BRIP1 gene, results from a T to G substitution at nucleotide position 2732. The valine at codon 911 is replaced by glycine, an amino acid with dissimilar properties. This amino acid position is conserved. In addition, this alteration is predicted to be tolerated by in silico analysis. Since supporting evidence is limited at this time, the clinical significance of this alteration remains unclear.

Color Diagnostics, LLC DBA Color Health
Classification: Uncertain significance for Hereditary cancer-predisposing syndrome. Last evaluated: 2024-03-06. Review status: criteria provided, single submitter. Criteria: ACMG Guidelines, 2015. Collection method: clinical testing. Allele origin: germline.
Comment: This missense variant replaces valine with glycine at codon 911 of the BRIP1 protein. Computational prediction suggests that this variant may not impact protein structure and function (internally defined REVEL score threshold <= 0.5, PMID: 27666373). To our knowledge, functional studies have not been reported for this variant. This variant has not been reported in individuals affected with hereditary cancer in the literature. This variant has not been identified in the general population by the Genome Aggregation Database (gnomAD). The available evidence is insufficient to determine the role of this variant in disease conclusively. Therefore, this variant is classified as a Variant of Uncertain Significance.

Labcorp Genetics (formerly Invitae), Labcorp
Classification: Uncertain significance for Familial cancer of breast; Fanconi anemia complementation group J. Last evaluated: 2022-08-31. Review status: criteria provided, single submitter. Criteria: Invitae Variant Classification Sherloc (09022015). Collection method: clinical testing. Allele origin: germline.
Comment: In summary, the available evidence is currently insufficient to determine the role of this variant in disease. Therefore, it has been classified as a Variant of Uncertain Significance. ClinVar contains an entry for this variant (Variation ID: 1171927). This variant has not been reported in the literature in individuals affected with BRIP1-related conditions. This variant is not present in population databases (gnomAD no frequency). Algorithms developed to predict the effect of missense changes on protein structure and function (SIFT, PolyPhen-2, Align-GVGD) all suggest that this variant is likely to be tolerated. This sequence change replaces valine, which is neutral and non-polar, with glycine, which is neutral and non-polar, at codon 911 of the BRIP1 protein (p.Val911Gly).

NM_032043.3(BRIP1):c.2732T>G (p.Val911Gly)

Gene: BRIP1 (BRCA1 interacting DNA helicase 1; minus strand). Cytogenetic location: 17q23.2.
Variant type: single nucleotide variant.
Coding change: c.2732T>G on transcript NM_032043.3 (MANE Select); coding-DNA position 2732, T replaced by G.
Protein change: p.Val911Gly; replaces valine 911 with glycine.
Molecular consequence: missense variant.
Genome position (GRCh38, 1-based): chr17:61,686,009, A>C on the plus strand (T>G on the coding strand, the complement: BRIP1 is on the minus strand). VCF-style: chr17-61686009-A-C. GRCh37 (hg19) VCF-style: chr17-59763370-A-C.
Other names: short protein forms V911G.
Identifiers: ClinVar variation 1171927 (VCV001171927.12), dbSNP rs2144113358, ClinGen allele CA400481643.
Genomic context (GRCh38, chr17:61,686,009, plus strand): 5'-GGTGATAGATGACTTGCTGCTTCCAGTAAATAAGGTGAGGTACTGTACTTTAAAGAGGTC[A>C]CTTCAAGTGTAGACTCATTGTCCTGTATATTGGTTCTGTCCTTTATGGATACATTAAGAA-3'
Protein context (NP_114432.2, residues 901-921): NIQDNESTLE[Val911Gly]TSLKYSTSPY